The following is an entry in ClinVar:

ClinVar aggregate classification (germline): Pathogenic/Likely pathogenic. Review status: criteria provided, multiple submitters, no conflicts (2 of 4 stars). 15 submissions from 15 submitters: Pathogenic (12); Likely pathogenic (2). 1 of the submissions does not count toward it. Last evaluated 2025-07-29.

Conditions:
Hereditary spastic paraplegia 11. Also called: SPASTIC PARAPLEGIA, AUTOSOMAL RECESSIVE, COMPLICATED, WITH THIN CORPUS CALLOSUM; SPASTIC PARAPLEGIA, AUTOSOMAL RECESSIVE, WITH MENTAL IMPAIRMENT AND THIN CORPUS CALLOSUM; Spastic Paraplegia 11; Spastic paraplegia, mental retardation and thin corpus callosum; Nakamura Osame syndrome; Autosomal recessive hereditary spastic paraplegia, mental impairment, and thin corpus callosum. Identifiers: Orphanet 2822, MedGen C1858479, MONDO:0011445, OMIM 604360.
Amyotrophic lateral sclerosis type 5 (ALS5). Also called: AMYOTROPHIC LATERAL SCLEROSIS 5, JUVENILE. Identifiers: Orphanet 300605, MedGen C1865864, MONDO:0011196, OMIM 602099.
Charcot-Marie-Tooth disease axonal type 2X. Also called: CHARCOT-MARIE-TOOTH DISEASE, AXONAL, AUTOSOMAL RECESSIVE, TYPE 2X; CHARCOT-MARIE-TOOTH NEUROPATHY, TYPE 2X. Identifiers: Orphanet 466775, MedGen C5569024, MONDO:0014726, OMIM 616668.
SPG11-related disorder. Also called: SPG11-related condition.
SPG11-related spastic paraplegia.

Submissions (15):

Labcorp Genetics (formerly Invitae), Labcorp
Classification: Pathogenic for Hereditary spastic paraplegia 11. Last evaluated: 2025-07-29. Review status: criteria provided, single submitter. Criteria: Invitae Variant Classification Sherloc (09022015). Collection method: clinical testing. Allele origin: germline.
Comment: This sequence change creates a premature translational stop signal (p.Leu1997Metfs*60) in the SPG11 gene. It is expected to result in an absent or disrupted protein product. Loss-of-function variants in SPG11 are known to be pathogenic (PMID: 19105190, 20110243, 22154821, 26556829). This variant is present in population databases (rs312262776, gnomAD 0.006%). This premature translational stop signal has been observed in individual(s) with hereditary spastic paraplegia (PMID: 18079167, 18337587, 22237444). In at least one individual the data is consistent with being in trans (on the opposite chromosome) from a pathogenic variant. It has also been observed to segregate with disease in related individuals. This variant is also known as c.5985delCTGT and p.L1997MfsX2056. ClinVar contains an entry for this variant (Variation ID: 41335). For these reasons, this variant has been classified as Pathogenic.

Victorian Clinical Genetics Services, Murdoch Childrens Research Institute
Classification: Pathogenic for Hereditary spastic paraplegia 11. Last evaluated: 2025-06-18. Review status: criteria provided, single submitter. Criteria: ACMG Guidelines, 2015. Collection method: clinical testing. Allele origin: germline. Affected: yes.
Comment: This variant is classified as Pathogenic. Evidence in support of pathogenic classification: Variant is predicted to cause nonsense-mediated decay (NMD) and loss of protein (premature termination codon is located at least 54 nucleotides upstream of the final exon-exon junction); Variant is present in gnomAD <0.01 for a recessive condition (v4: 36 heterozygote(s), 0 homozygote(s)); This variant has strong previous evidence of pathogenicity in unrelated individuals. This variant has been classified as likely pathogenic and pathogenic by multiple clinical laboratories in ClinVar; Other NMD-predicted variant(s) comparable to the one identified in this case have very strong previous evidence for pathogenicity (DECIPHER). Additional information: This variant is homozygous; This gene is associated with autosomal recessive disease; Loss of function is a known mechanism of disease in this gene and is associated with hereditary spastic paraplegia 11 (MONDO:0011445).

Institute of Human Genetics, Clinical Exome/Genome Diagnostics Group, University Hospital Bonn
Classification: Pathogenic for Amyotrophic lateral sclerosis type 5; Charcot-Marie-Tooth disease axonal type 2X; Hereditary spastic paraplegia 11. Last evaluated: 2024-11-20. Review status: criteria provided, single submitter. Criteria: ACMG Guidelines, 2015. Collection method: clinical testing. Allele origin: biparental. Affected: yes. Observed: 1 homozygote.
Comment: PVS1, PS4, PM2_supporting, PM3

Institute of Human Genetics Munich, TUM University Hospital
Classification: Pathogenic for Hereditary spastic paraplegia 11. Last evaluated: 2024-10-15. Review status: criteria provided, single submitter. Criteria: Classification criteria August 2017. Collection method: clinical testing. Allele origin: paternal. Inheritance: Autosomal recessive inheritance. Affected: yes. Observed: 1 variant allele.

Revvity Omics, Revvity
Classification: Pathogenic. Last evaluated: 2024-09-18. Review status: criteria provided, single submitter. Criteria: ACMG Guidelines, 2015. Collection method: clinical testing. Allele origin: germline.

Clinical Omics and Informatics (COIN) Unit, Neuroscience Institute, University Of Cape Town
Classification: Pathogenic for Hereditary spastic paraplegia 11. Last evaluated: 2024-05-22. Review status: criteria provided, single submitter. Criteria: ACMG Guidelines, 2015. Collection method: research. Allele origin: germline. Inheritance: Autosomal recessive inheritance. Affected: yes. Observed: 2 variant alleles, 1 compound heterozygote, 1 homozygote.
Comment: PM2_supporting: the highest population allele frequency in gnomAD v4.0 is 0.00008001 (0.008%; 5/62492 alleles in Remaining population) and in gnomAD v3.1.2 is 0.00002413 (0.002%; 1/ 41440 alleles in African/African American population) and the variant is absent from an internal database of 1074 control alleles. PVS1 met: null variant (nonsense or frameshift variant, predicted to undergo NMD, exon is present in biologically-relevant transcript) in a gene where LOF is a known mechanism of disease. PS4 not evaluated as literature probands counted under PM3. PP1_moderate: variant segregates with 2 informative meioses in 1 family. PM3_strong: 3 points awarded for 2 homozygous occurrences, 2 observations with pathogenic variant but phase unknown and 1 observation with pathogenic variant confirmed in trans (PMID 21625935, 18079167, 24571105, 18337587, 22237444). Sequencing funded by the International Centre for Genomic Medicine in Neuromuscular Diseases (ICGNMD).

Fulgent Genetics
Classification: Pathogenic for Amyotrophic lateral sclerosis type 5; Hereditary spastic paraplegia 11; Charcot-Marie-Tooth disease axonal type 2X. Last evaluated: 2024-05-08. Review status: criteria provided, single submitter. Criteria: ACMG Guidelines, 2015. Collection method: clinical testing. Allele origin: germline.

Kariminejad - Najmabadi Pathology & Genetics Center
Classification: Pathogenic for Amyotrophic lateral sclerosis type 5; Hereditary spastic paraplegia 11; Charcot-Marie-Tooth disease axonal type 2X. Last evaluated: 2024-02-04. Review status: criteria provided, single submitter. Criteria: ACMG Guidelines, 2015. Collection method: clinical testing. Allele origin: germline. Inheritance: Autosomal recessive inheritance. Affected: yes.

GeneDx
Classification: Likely pathogenic. Last evaluated: 2024-01-02. Review status: criteria provided, single submitter. Criteria: GeneDx Variant Classification Process June 2021. Collection method: clinical testing. Allele origin: germline. Affected: yes.
Comment: Identified in individuals with features of spastic paraplegia type 11, but it is not known whether the variants occurred on the same (in cis) or on different (in trans) chromosomes (PMID: 18079167, 21625935); Frameshift variant predicted to result in protein truncation or nonsense mediated decay in a gene for which loss-of-function is a known mechanism of disease; Not observed at a significant frequency in large population cohorts (gnomAD); This variant is associated with the following publications: (PMID: 21625935, 31589614, 34983064, 37712079, 18079167)

Blueprint Genetics
Classification: Pathogenic for SPG11-related disorders. Last evaluated: 2023-01-13. Review status: criteria provided, single submitter. Criteria: ACMG Guidelines, 2015. Collection method: clinical testing. Allele origin: germline. Affected: yes. Observed: 3 variant alleles.

Mayo Clinic Laboratories, Mayo Clinic
Classification: Pathogenic. Last evaluated: 2022-12-06. Review status: criteria provided, single submitter. Criteria: ACMG Guidelines, 2015. Collection method: clinical testing. Allele origin: germline. Observed: 1 variant allele.
Comment: PM2, PM3, PVS1

Illumina Laboratory Services, Illumina
Classification: Pathogenic for SPG11-related spastic paraplegia. Last evaluated: 2020-02-27. Review status: criteria provided, single submitter. Criteria: ICSLVariantClassificationCriteria RUGD 01 April 2020. Collection method: clinical testing. Allele origin: unknown.
Comment: The SPG11 c.5989_5992delCTGT (p.Leu1997MetfsTer60) variant results in a frameshift and is predicted to result in a premature truncation of the protein. This variant has been reported in six individuals from four unrelated families diagnosed with spastic paraplegia, including in a homozygous state in four individuals from two consanguineous families and in a compound heterozygous state with a second predicted null variant in two individuals (Stevanin et al. 2008; Paisan-Ruiz et al. 2008; Stromillo et al. 2011; Conceicao Pereira et al. 2012). Control data are unavailable for this variant, which is reported at a frequency of 0.000026 in the European (non-Finnish) population of the Genome Aggregation Consortium. Based on the predicted truncating nature of the variant, the reported cases in the literature, and the variant's rarity, the p.Leu1997MetfsTer60 variant is classified as pathogenic for SPG11-related spastic paraplegia.

Genome-Nilou Lab
Classification: Likely pathogenic for Hereditary spastic paraplegia 11. Review status: criteria provided, single submitter. Criteria: ACMG Guidelines, 2015. Collection method: clinical testing. Allele origin: germline.

Paris Brain Institute, Inserm - ICM
Classification: Pathogenic for Hereditary spastic paraplegia 11. Review status: criteria provided, single submitter. Criteria: ACMG Guidelines, 2015. Collection method: clinical testing. Allele origin: unknown. Affected: yes. Observed: 1 variant allele.

GeneReviews
No classification provided. Condition: Hereditary spastic paraplegia 11. Review status: no classification provided. Collection method: literature only. Allele origin: unknown. Not counted in ClinVar's aggregate classification.

Literature cited by the submitters: PubMed 19105190 (cited by Labcorp Genetics (formerly Invitae), Labcorp); PubMed 20110243 (cited by Labcorp Genetics (formerly Invitae), Labcorp); PubMed 22154821 (cited by Labcorp Genetics (formerly Invitae), Labcorp); PubMed 26556829 (cited by Labcorp Genetics (formerly Invitae), Labcorp); PubMed 18079167 (cited by 5 submitters); PubMed 18337587 (cited by 4 submitters); PubMed 22237444 (cited by 4 submitters); PubMed 37712079 (cited by Clinical Omics and Informatics (COIN) Unit, Neuroscience Institute, University Of Cape Town); PubMed 21625935 (cited by 3 submitters); PubMed 24571105 (cited by Clinical Omics and Informatics (COIN) Unit, Neuroscience Institute, University Of Cape Town); PubMed 31589614 (cited by Mayo Clinic Laboratories, Mayo Clinic); PubMed 20301389 (cited by GeneReviews); NCBI Bookshelf NBK1210 (cited by GeneReviews).

NM_025137.4(SPG11):c.5989_5992del (p.Leu1997fs)

Gene: SPG11 (SPG11 vesicle trafficking associated, spatacsin; minus strand). Cytogenetic location: 15q21.1.
Variant type: Microsatellite.
Coding change: c.5989_5992del on transcript NM_025137.4 (MANE Select); coding-DNA positions 5989 to 5992, 4 bases deleted (CTGT; older notation c.5989_5992delCTGT).
Protein change: p.Leu1997fs; shifts the reading frame from leucine 1997.
Molecular consequence: frameshift variant. On other transcripts: intron variant (1).
Genome position (GRCh38, 1-based): chr15:44,574,916-44,574,919, ACAG deleted on the plus strand (CTGT on the coding strand, the reverse complement: SPG11 is on the minus strand); deleting any 4 consecutive bases within chr15:44,574,916-44,574,924 gives the same sequence; the c. name uses the placement nearest the transcript's 3' end. VCF-style (leftmost placement, unchanged base first): chr15-44574915-TACAG-T. GRCh37 (hg19) VCF-style: chr15-44867113-TACAG-T.
Other names: p.Leu1997Metfs*60; c.5989_5992del (NM_025137.3); c.5867-2099_5867-2096del (NM_001160227.2); short protein forms L1997fs.
Identifiers: ClinVar variation 41335 (VCV000041335.49), dbSNP rs312262776, ClinGen allele CA344367.